The following is an entry in ClinVar:

ClinVar aggregate classification (germline): Uncertain significance (1 of 4 stars; one submission).

gnomAD v4.1: 16 of 1,579,432 alleles (0.001%); highest among the groups gnomAD compares: Non-Finnish European, 0.0014%; no homozygotes.

Submission:

Institute for Clinical Genetics, University Hospital TU Dresden, University Hospital TU Dresden
Classification: Uncertain significance. Last evaluated: 2022-09-14. Review status: criteria provided, single submitter. Criteria: ACMG Guidelines, 2015. Collection method: clinical testing. Allele origin: germline.
Comment: PM2_SUP, PP2

NM_003024.3(ITSN1):c.4044T>G (p.Asp1348Glu)

Gene: ITSN1 (intersectin 1; plus strand). Cytogenetic location: 21q22.11.
Variant type: single nucleotide variant.
Coding change: c.4044T>G on transcript NM_003024.3 (MANE Select); coding-DNA position 4044, T replaced by G.
Protein change: p.Asp1348Glu; replaces aspartic acid 1348 with glutamic acid.
Molecular consequence: missense variant.
Genome position (GRCh38, 1-based): chr21:33,865,304, T>G. VCF-style: chr21-33865304-T-G. GRCh37 (hg19) VCF-style: chr21-35237608-T-G.
Other names: c.4029T>G, p.Asp1343Glu (NM_001331010.2); short protein forms D1343E, D1348E.
Identifiers: ClinVar variation 2575980 (VCV002575980.1), dbSNP rs9976801, ClinGen allele CA10012329.